The following is an entry in ClinVar:

ClinVar aggregate classification (germline): Likely benign. Review status: criteria provided, single submitter (1 of 4 stars). 2 submissions from 2 submitters: Likely benign (1). 1 of the submissions does not count toward it. Last evaluated 2026-01-05.

Conditions:
POMC-related disorder. Also called: POMC-related condition; POMC-related disorders.

Allele frequency attached by ClinVar (database versions not stated): gnomAD exomes 0.00001; TOPMed 0.00001; gnomAD 0.00002.

Submissions (2):

Labcorp Genetics (formerly Invitae), Labcorp
Classification: Likely benign. Last evaluated: 2026-01-05. Review status: criteria provided, single submitter. Criteria: Invitae Variant Classification Sherloc (09022015). Collection method: clinical testing. Allele origin: germline.

PreventionGenetics, part of Exact Sciences
Classification: Likely benign for POMC-related condition. Last evaluated: 2022-10-18. Review status: no assertion criteria provided. Collection method: clinical testing. Allele origin: germline. Not counted in ClinVar's aggregate classification.
Comment: This variant is classified as likely benign based on ACMG/AMP sequence variant interpretation guidelines (Richards et al. 2015 PMID: 25741868, with internal and published modifications).

NM_000939.4(POMC):c.285C>T (p.Ser95=)

Gene: POMC (proopiomelanocortin; minus strand). Cytogenetic location: 2p23.3.
Variant type: single nucleotide variant.
Coding change: c.285C>T on transcript NM_000939.4 (MANE Select); coding-DNA position 285, C replaced by T.
Protein change: p.Ser95=; no amino-acid change (serine 95 retained).
Molecular consequence: synonymous variant.
Genome position (GRCh38, 1-based): chr2:25,161,600, G>A on the plus strand (C>T on the coding strand, the complement: POMC is on the minus strand). VCF-style: chr2-25161600-G-A. GRCh37 (hg19) VCF-style: chr2-25384469-G-A.
Other names: c.285C>T (NM_000939.3); c.285C>T, p.Ser95= (NM_001035256.3, NM_001319204.2, NM_001319205.2).
Identifiers: ClinVar variation 1658982 (VCV001658982.9), dbSNP rs980248951, ClinGen allele CA43684909.